The following is an entry in ClinVar:

NM_002055.5(GFAP):c.469G>A (p.Asp157Asn)

Gene: GFAP (glial fibrillary acidic protein; minus strand). Cytogenetic location: 17q21.31.
Variant type: single nucleotide variant.
Coding change: c.469G>A on transcript NM_002055.5 (MANE Select); coding-DNA position 469, G replaced by A.
Protein change: p.Asp157Asn; replaces aspartic acid 157 with asparagine.
Molecular consequence: missense variant.
Genome position (GRCh38, 1-based): chr17:44,914,081, C>T on the plus strand (G>A on the coding strand, the complement: GFAP is on the minus strand). VCF-style: chr17-44914081-C-T. GRCh37 (hg19) VCF-style: chr17-42991449-C-T.
Other names: c.469G>A, p.Asp157Asn (NM_001131019.3, NM_001242376.3, NM_001363846.2); short protein forms D157N.
Identifiers: ClinVar variation 66485 (VCV000066485.39), dbSNP rs59291670, ClinGen allele CA217193.
Genomic context (GRCh38, chr17:44,914,081, plus strand): 5'-CCCTGACCTGTCTATAGGCAGCCAGGTTGTTCTCGGCTTCCAGCCTCAGGTTGGTTTCAT[C>T]CTGGAGCCTGGAGTGGGGGGACACATTCCTGGGTCCAGGCTCTTCTGAGGACACTTGAAT-3'
Protein context (NP_002046.1, residues 147-167): DLATVRQKLQ[Asp157Asn]ETNLRLEAEN

ClinVar aggregate classification (germline): Benign/Likely benign. Review status: criteria provided, multiple submitters, no conflicts (2 of 4 stars). 10 submissions from 10 submitters: Benign (6); Likely benign (1). 3 of the submissions do not count toward it. Last evaluated 2026-10-01.

Allele frequency attached by ClinVar (database versions not stated): 1000 Genomes Project 30x 0.00390; 1000 Genomes Project 0.00399; ExAC 0.01067; TOPMed 0.01067; gnomAD 0.01088 and 0.01123; gnomAD exomes 0.01093 and 0.01724; ESP Exome Variant Server 0.01151.
gnomAD v4.1: 25,495 of 1,549,378 alleles (1.6%); highest among the groups gnomAD compares: Non-Finnish European, 2%; 282 homozygotes.

Submissions (10):

CeGaT Center for Human Genetics Tuebingen
Classification: Benign. Last evaluated: 2026-10-01. Review status: criteria provided, single submitter. Criteria: CeGaT Center For Human Genetics Tuebingen Variant Classification Criteria Version 2. Collection method: clinical testing. Allele origin: germline. Affected: yes. Observed: 65 variant alleles.
Comment: GFAP: BP4, BS1, BS2

Labcorp Genetics (formerly Invitae), Labcorp
Classification: Benign. Last evaluated: 2026-01-19. Review status: criteria provided, single submitter. Criteria: Invitae Variant Classification Sherloc (09022015). Collection method: clinical testing. Allele origin: germline.

Blueprint Genetics
Classification: Likely benign. Last evaluated: 2024-11-27. Review status: criteria provided, single submitter. Criteria: ACMG Guidelines, 2015. Collection method: clinical testing. Allele origin: germline.

Mayo Clinic Laboratories, Mayo Clinic
Classification: Benign. Last evaluated: 2023-07-17. Review status: criteria provided, single submitter. Criteria: ACMG Guidelines, 2015. Collection method: clinical testing. Allele origin: germline. Observed: 16 variant alleles.
Comment: BA1, BS2

Athena Diagnostics
Classification: Benign. Last evaluated: 2021-03-25. Review status: criteria provided, single submitter. Criteria: Athena Diagnostics criteria. Collection method: clinical testing. Allele origin: unknown.

GeneDx
Classification: Benign. Last evaluated: 2015-03-03. Review status: criteria provided, single submitter. Criteria: GeneDx Variant Classification Process June 2021. Collection method: clinical testing. Allele origin: germline. Affected: yes.

Breakthrough Genomics
Classification: Benign. Review status: criteria provided, single submitter. Criteria: ACMG Guidelines, 2015. Collection method: not provided. Allele origin: germline. Inheritance: Autosomal dominant inheritance. Affected: yes.

Epithelial Biology;  Institute of Medical Biology, Singapore
No classification provided. Review status: no classification provided. Collection method: not provided. Allele origin: not provided. Not counted in ClinVar's aggregate classification.

Joint Genome Diagnostic Labs from Nijmegen and Maastricht, Radboudumc and MUMC+
Classification: Benign. Review status: no assertion criteria provided. Collection method: clinical testing. Allele origin: germline. Affected: yes. Study: VKGL Data-share Consensus. Not counted in ClinVar's aggregate classification.

Laboratory of Diagnostic Genome Analysis, Leiden University Medical Center (LUMC)
Classification: Likely benign. Review status: no assertion criteria provided. Collection method: clinical testing. Allele origin: germline. Affected: yes. Study: VKGL Data-share Consensus. Not counted in ClinVar's aggregate classification.

Literature cited by the submitters: PubMed 26478912 (cited by Mayo Clinic Laboratories, Mayo Clinic and Athena Diagnostics); PubMed 30126635 (cited by Athena Diagnostics); PubMed 23430549 (cited by Athena Diagnostics); PubMed 27166760 (cited by Athena Diagnostics); PubMed 28882119 (cited by Athena Diagnostics); PubMed 16365765 (cited by Athena Diagnostics); PubMed 15732097 (cited by Athena Diagnostics); PubMed 22510744 (cited by Athena Diagnostics); PubMed 24743598 (cited by Athena Diagnostics); PubMed 21132324 (cited by Athena Diagnostics); PubMed 18684770 (cited by Athena Diagnostics).